The following is an entry in ClinVar:

NM_001378457.1(DMXL2):c.8266G>A (p.Ala2756Thr)

Gene: DMXL2 (Dmx like 2; minus strand). Cytogenetic location: 15q21.2.
Variant type: single nucleotide variant.
Coding change: c.8266G>A on transcript NM_001378457.1 (MANE Select); coding-DNA position 8266, G replaced by A.
Protein change: p.Ala2756Thr; replaces alanine 2756 with threonine.
Molecular consequence: missense variant. On other transcripts: non-coding transcript variant (2).
Genome position (GRCh38, 1-based): chr15:51,457,399, C>T on the plus strand (G>A on the coding strand, the complement: DMXL2 is on the minus strand). VCF-style: chr15-51457399-C-T. GRCh37 (hg19) VCF-style: chr15-51749596-C-T.
Other names: c.8203G>A, p.Ala2735Thr (NM_001174116.3); c.6292G>A, p.Ala2098Thr (NM_001174117.3); c.8263G>A, p.Ala2755Thr (NM_001378458.1); c.7978G>A, p.Ala2660Thr (NM_001378459.1); c.6181G>A, p.Ala2061Thr (NM_001378460.1); c.8200G>A, p.Ala2734Thr (NM_015263.5); c.8203G>A (NM_001174116.1); short protein forms A2061T, A2098T, A2660T, A2756T, A2755T, A2734T, A2735T.
Identifiers: ClinVar variation 2077219 (VCV002077219.2), dbSNP rs1214513580, ClinGen allele CA392436271.
Genomic context (GRCh38, chr15:51,457,399, plus strand): 5'-CAGTGCTAGTCTGTCCAGTGCCCAGCCATGGCAGAGATGAAGGTGGATGCACCTGACTTG[C>T]TGAATAGGATGTTGCACTGGGTTGATAAAGAGTTGTAGTGGAACCACGATAATCAACATC-3'
Protein context (NP_001365386.1, residues 2746-2766): LYQPSATSYS[Ala2756Thr]SQVHPPSSLP

ClinVar aggregate classification (germline): Uncertain significance. Review status: criteria provided, multiple submitters, no conflicts (2 of 4 stars). 2 submissions from 2 submitters: Uncertain significance (2). Last evaluated 2025-04-03.

Conditions:
Inborn genetic diseases. Identifiers: MedGen C0950123, MeSH D030342.

Allele frequency attached by ClinVar (database versions not stated): gnomAD 0.00001; TOPMed 0.00001; gnomAD exomes 0.00001.
gnomAD v4.1: 16 of 1,614,090 alleles (0.00099%); highest among the groups gnomAD compares: Admixed American, 0.0067%; no homozygotes.

Submissions (2):

Ambry Genetics
Classification: Uncertain significance for Inborn genetic diseases. Last evaluated: 2025-04-03. Review status: criteria provided, single submitter. Criteria: Ambry Variant Classification Scheme 2023. Collection method: clinical testing. Allele origin: germline.

Labcorp Genetics (formerly Invitae), Labcorp
Classification: Uncertain significance. Last evaluated: 2022-05-19. Review status: criteria provided, single submitter. Criteria: Invitae Variant Classification Sherloc (09022015). Collection method: clinical testing. Allele origin: germline.
Comment: This sequence change replaces alanine, which is neutral and non-polar, with threonine, which is neutral and polar, at codon 2735 of the DMXL2 protein (p.Ala2735Thr). This variant is present in population databases (no rsID available, gnomAD 0.0009%). This variant has not been reported in the literature in individuals affected with DMXL2-related conditions. Algorithms developed to predict the effect of missense changes on protein structure and function output the following: SIFT: "Tolerated"; PolyPhen-2: "Benign"; Align-GVGD: "Class C0". The threonine amino acid residue is found in multiple mammalian species, which suggests that this missense change does not adversely affect protein function. In summary, the available evidence is currently insufficient to determine the role of this variant in disease. Therefore, it has been classified as a Variant of Uncertain Significance.